The following is an entry in ClinVar:

NM_004519.4(KCNQ3):c.2492G>A (p.Arg831Gln)

Gene: KCNQ3 (potassium voltage-gated channel subfamily Q member 3; minus strand). Cytogenetic location: 8q24.22.
Variant type: single nucleotide variant.
Coding change: c.2492G>A on transcript NM_004519.4 (MANE Select); coding-DNA position 2492, G replaced by A.
Protein change: p.Arg831Gln; replaces arginine 831 with glutamine.
Molecular consequence: missense variant.
Genome position (GRCh38, 1-based): chr8:132,129,389, C>T on the plus strand (G>A on the coding strand, the complement: KCNQ3 is on the minus strand). VCF-style: chr8-132129389-C-T. GRCh37 (hg19) VCF-style: chr8-133141636-C-T.
Other names: c.2132G>A, p.Arg711Gln (NM_001204824.2); short protein forms R831Q, R711Q.
Identifiers: ClinVar variation 211238 (VCV000211238.17), dbSNP rs149004528, ClinGen allele CA207881.

ClinVar aggregate classification (germline): Conflicting classifications of pathogenicity. Review status: criteria provided, conflicting classifications (1 of 4 stars). 4 submissions from 4 submitters: Uncertain significance (3); Likely benign (1). Last evaluated 2025-12-08.

Conditions:
Seizures, benign familial neonatal, 2. Also called: Benign Neonatal Epilepsy 2; Seizures, benign neonatal, 2; CONVULSIONS, BENIGN FAMILIAL NEONATAL, 2; KCNQ3-Related Benign Familial Neonatal Epilepsy; KCNQ3-Related Self-Limited Familial Neonatal Epilepsy (SLFNE). Identifiers: Orphanet 1949, MedGen C1852581, MONDO:0007366, OMIM 121201.
Benign neonatal seizures. Also called: Benign familial neonatal epilepsy; Benign familial neonatal seizures; Benign neonatal familial convulsions; Convulsions benign familial neonatal dominant form; Autosomal dominant form of benign neonatal seizures. Identifiers: Orphanet 1949, MedGen C0220669, MONDO:0016027.
Inborn genetic diseases. Identifiers: MedGen C0950123, MeSH D030342.

Allele frequency attached by ClinVar (database versions not stated): ESP Exome Variant Server 0.00008; gnomAD exomes 0.00003 and 0.00004; gnomAD 0.00001; ExAC 0.00002; TOPMed 0.00002.
gnomAD v4.1: 71 of 1,614,060 alleles (0.0044%); highest among the groups gnomAD compares: Non-Finnish European, 0.0053%; no homozygotes.

Submissions (4):

Labcorp Genetics (formerly Invitae), Labcorp
Classification: Uncertain significance for Benign neonatal seizures. Last evaluated: 2025-12-08. Review status: criteria provided, single submitter. Criteria: Invitae Variant Classification Sherloc (09022015). Collection method: clinical testing. Allele origin: germline.
Comment: This sequence change replaces arginine, which is basic and polar, with glutamine, which is neutral and polar, at codon 831 of the KCNQ3 protein (p.Arg831Gln). This variant is present in population databases (rs149004528, gnomAD 0.005%). This variant has not been reported in the literature in individuals affected with KCNQ3-related conditions. ClinVar contains an entry for this variant (Variation ID: 211238). Invitae Evidence Modeling of protein sequence and biophysical properties (such as structural, functional, and spatial information, amino acid conservation, physicochemical variation, residue mobility, and thermodynamic stability) indicates that this missense variant is not expected to disrupt KCNQ3 protein function with a negative predictive value of 95%. In summary, the available evidence is currently insufficient to determine the role of this variant in disease. Therefore, it has been classified as a Variant of Uncertain Significance.

Ambry Genetics
Classification: Uncertain significance for Inborn genetic diseases. Last evaluated: 2025-12-02. Review status: criteria provided, single submitter. Criteria: Ambry Variant Classification Scheme 2023. Collection method: clinical testing. Allele origin: germline.
Comment: The c.2492G>A (p.R831Q) alteration is located in exon 15 (coding exon 15) of the KCNQ3 gene. This alteration results from a G to A substitution at nucleotide position 2492, causing the arginine (R) at amino acid position 831 to be replaced by a glutamine (Q). Based on data from gnomAD, the A allele has an overall frequency of 0.003% (8/251394) total alleles studied. The highest observed frequency was 0.006% (7/113698) of European (non-Finnish) alleles. Based on insufficient or conflicting evidence, the clinical significance of this alteration remains unclear.

Illumina Laboratory Services, Illumina
Classification: Likely benign for Seizures, benign familial neonatal, 2. Last evaluated: 2018-01-12. Review status: criteria provided, single submitter. Criteria: ICSL Variant Classification Criteria 13 December 2019. Collection method: clinical testing. Allele origin: germline.
Comment: This variant was observed in the ICSL laboratory as part of a predisposition screen in an ostensibly healthy population. It had not been previously curated by ICSL or reported in the Human Gene Mutation Database (HGMD: prior to June 1st, 2018), and was therefore a candidate for classification through an automated scoring system. Utilizing variant allele frequency, disease prevalence and penetrance estimates, and inheritance mode, an automated score was calculated to assess if this variant is too frequent to cause the disease. Based on the score and internal cut-off values, a variant classified as likely benign is not then subjected to further curation. The score for this variant resulted in a classification of likely benign for this disease.

Genetic Services Laboratory, University of Chicago
Classification: Uncertain significance. Last evaluated: 2015-04-16. Review status: criteria provided, single submitter. Criteria: ACMG Guidelines, 2015. Collection method: clinical testing. Allele origin: germline.

Literature cited by the submitters: PubMed 31440721 (cited by Ambry Genetics).